The following is an entry in ClinVar:

NM_001008537.3(NEXMIF):c.3579del (p.Asn1195fs)

Gene: NEXMIF (neurite extension and migration factor; minus strand). Cytogenetic location: Xq13.3.
Variant type: Deletion.
Coding change: c.3579del on transcript NM_001008537.3 (MANE Select); coding-DNA position 3579, one base deleted (G; older notation c.3579delG).
Protein change: p.Asn1195fs; shifts the reading frame from asparagine 1195.
Molecular consequence: frameshift variant.
Genome position (GRCh38, 1-based): chrX:74,740,978, C deleted on the plus strand (G on the coding strand, the reverse complement: NEXMIF is on the minus strand). VCF-style (leftmost placement, unchanged base first): chrX-74740977-TC-T. GRCh37 (hg19) VCF-style: chrX-73960812-TC-T.
Other names: short protein forms N1195fs.
Identifiers: ClinVar variation 1338811 (VCV001338811.1), dbSNP rs2147439375, ClinGen allele CA2573055404.

ClinVar aggregate classification (germline): Pathogenic (1 of 4 stars; one submission).

Conditions:
X-linked intellectual disability, Cantagrel type (XLID98). Also called: INTELLECTUAL DEVELOPMENTAL DISORDER, X-LINKED 98. Identifiers: Orphanet 85277, MedGen C3806730, MONDO:0010483, OMIM 300912.

Submission:

Institute of Human Genetics, University of Leipzig Medical Center
Classification: Pathogenic for X-linked intellectual disability, Cantagrel type. Last evaluated: 2022-01-04. Review status: criteria provided, single submitter. Criteria: ACMG Guidelines, 2015. Collection method: clinical testing. Allele origin: de novo. Affected: yes.
Comment: This variant was identified as de novo (maternity and paternity confirmed)._x000D_ Criteria applied: PVS1, PS2_SUP, PM2_SUP